The following is an entry in ClinVar:

NM_138348.6(OTULIN):c.143C>A (p.Pro48Gln)

Gene: OTULIN (OTU deubiquitinase with linear linkage specificity; plus strand). Cytogenetic location: 5p15.2.
Variant type: single nucleotide variant.
Coding change: c.143C>A on transcript NM_138348.6 (MANE Select); coding-DNA position 143, C replaced by A.
Protein change: p.Pro48Gln; replaces proline 48 with glutamine.
Molecular consequence: missense variant.
Genome position (GRCh38, 1-based): chr5:14,664,968, C>A. VCF-style: chr5-14664968-C-A. GRCh37 (hg19) VCF-style: chr5-14665077-C-A.
Other names: short protein forms P48Q.
Identifiers: ClinVar variation 4732914 (VCV004732914.1).

ClinVar aggregate classification (germline): Uncertain significance (1 of 4 stars; one submission).

Submission:

Labcorp Genetics (formerly Invitae), Labcorp
Classification: Uncertain significance. Last evaluated: 2025-12-17. Review status: criteria provided, single submitter. Criteria: Invitae Variant Classification Sherloc (09022015). Collection method: clinical testing. Allele origin: germline.
Comment: This sequence change replaces proline, which is neutral and non-polar, with glutamine, which is neutral and polar, at codon 48 of the OTULIN protein (p.Pro48Gln). This variant is not present in population databases (gnomAD no frequency). This variant has not been reported in the literature in individuals affected with OTULIN-related conditions. An algorithm developed to predict the effect of missense changes on protein structure and function (PolyPhen-2) suggests that this variant is likely to be tolerated. In summary, the available evidence is currently insufficient to determine the role of this variant in disease. Therefore, it has been classified as a Variant of Uncertain Significance.